The following is an entry in ClinVar:

NM_024675.4(PALB2):c.3356T>C (p.Leu1119Pro)

Gene: PALB2 (partner and localizer of BRCA2; minus strand). Cytogenetic location: 16p12.2.
Variant type: single nucleotide variant.
Coding change: c.3356T>C on transcript NM_024675.4 (MANE Select); coding-DNA position 3356, T replaced by C.
Protein change: p.Leu1119Pro; replaces leucine 1119 with proline.
Molecular consequence: missense variant.
Genome position (GRCh38, 1-based): chr16:23,603,664, A>G on the plus strand (T>C on the coding strand, the complement: PALB2 is on the minus strand). VCF-style: chr16-23603664-A-G. GRCh37 (hg19) VCF-style: chr16-23614985-A-G.
Other names: short protein forms L1119P.
Identifiers: ClinVar variation 126738 (VCV000126738.30), dbSNP rs515726116, ClinGen allele CA331796.

ClinVar aggregate classification (germline): Conflicting classifications of pathogenicity. Review status: criteria provided, conflicting classifications (1 of 4 stars). 10 submissions from 10 submitters: Uncertain significance (7); Likely benign (1). 2 of the submissions do not count toward it. Last evaluated 2026-03-26.

Conditions:
Pancreatic cancer, susceptibility to, 3. Identifiers: Orphanet 1333, MedGen C3150547, MONDO:0013236, OMIM 613348.
Fanconi anemia complementation group N. Also called: PALB2-Related Fanconi Anemia. Identifiers: Orphanet 84, MedGen C1835817, MONDO:0012565, OMIM 610832. Disease mechanism: loss of function.
Breast-ovarian cancer, familial, susceptibility to, 5 (BROVCA5). Identifiers: MedGen C5830615, MONDO:0957530, OMIM 620442.
Familial cancer of breast. Also called: hereditary breast carcinoma; Hereditary breast cancer; BREAST CANCER, FAMILIAL. Identifiers: Orphanet 227535, MedGen C0346153, MONDO:0016419, OMIM 114480. Disease mechanism: loss of function.
Breast cancer, familial male. Identifiers: MedGen C1861906.
Hereditary cancer-predisposing syndrome. Also called: Tumor predisposition; Hereditary neoplastic syndrome; Neoplastic Syndromes, Hereditary; Hereditary Cancer Syndrome. Identifiers: Orphanet 140162, MedGen C0027672, MeSH D009386, MONDO:0015356.

Allele frequency attached by ClinVar (database versions not stated): gnomAD exomes below 0.00001 and 0.00002; ExAC 0.00001.

Submissions (10):

Clinical Genetics Laboratory, Skane University Hospital Lund
Classification: Uncertain significance for Breast cancer, familial male. Last evaluated: 2026-03-26. Review status: criteria provided, single submitter. Criteria: ACMG Guidelines, 2015. Collection method: clinical testing. Allele origin: germline. Affected: yes.
Comment: ACMG criteria used: PM2

Labcorp Genetics (formerly Invitae), Labcorp
Classification: Likely benign for Familial cancer of breast. Last evaluated: 2025-12-23. Review status: criteria provided, single submitter. Criteria: Invitae Variant Classification Sherloc (09022015). Collection method: clinical testing. Allele origin: germline.

Ambry Genetics
Classification: Uncertain significance for Hereditary cancer-predisposing syndrome. Last evaluated: 2025-01-27. Review status: criteria provided, single submitter. Criteria: Ambry Variant Classification Scheme 2023. Collection method: clinical testing. Allele origin: germline.
Comment: The p.L1119P variant (also known as c.3356T>C), located in coding exon 13 of the PALB2 gene, results from a T to C substitution at nucleotide position 3356. The leucine at codon 1119 is replaced by proline, an amino acid with similar properties. This variant was also detected in 1/1240 BRCA1/2-negative individuals recruited from the Breast Cancer Family Registry (Nguyen-Dumont T et al. Breast Cancer Res. Treat. 2015 Jan;149:547-54). In a homology-directed DNA repair (HDR) assay, this alteration was found to be functionally normal (Wiltshire T et al. Genet. Med., 2019 Oct, Boonen et al. Nat. Comms. 2019 Nov). In a PARP inhibitor sensitivity assay, this alteration was found to be functionally normal (Boonen et al. Nat. Comms. 2019 Nov, Rodrigue et al. NAR. 2019 Nov). This amino acid position is highly conserved in available vertebrate species. In addition, the in silico prediction for this alteration is inconclusive. Based on the available evidence, the clinical significance of this variant remains unclear.

Blueprint Genetics
Classification: Uncertain significance. Last evaluated: 2024-08-21. Review status: criteria provided, single submitter. Criteria: ACMG Guidelines, 2015. Collection method: clinical testing. Allele origin: germline.

Fulgent Genetics
Classification: Uncertain significance for Fanconi anemia complementation group N; Pancreatic cancer, susceptibility to, 3; Breast-ovarian cancer, familial, susceptibility to, 5. Last evaluated: 2024-01-18. Review status: criteria provided, single submitter. Criteria: ACMG Guidelines, 2015. Collection method: clinical testing. Allele origin: germline.

GeneDx
Classification: Uncertain significance. Last evaluated: 2023-07-31. Review status: criteria provided, single submitter. Criteria: GeneDx Variant Classification Process June 2021. Collection method: clinical testing. Allele origin: germline. Affected: yes.
Comment: Not observed at significant frequency in large population cohorts (gnomAD); In silico analysis supports that this missense variant has a deleterious effect on protein structure/function; Published functional studies demonstrate intact or reduced homology-directed repair, normal or increased PARP inhibitor sensitivity, decreased BRCA2 binding, moderate cytoplasmic accumulation, and larger RAD51 foci formation (Boonen et al., 2019; Rodrigue et al., 2019; Wiltshire et al., 2020); Observed in individuals with a personal and family history of breast cancer (Catucci et al., 2012; Nguyen-Dumont et al., 2015); This variant is associated with the following publications: (PMID: 25575445, 22692731, 31586400, 31636395, 33195396, 31757951, 24485656, 19609323, 20871615, 33809179)

Myriad Genetics, Inc.
Classification: Uncertain significance for Familial cancer of breast. Last evaluated: 2023-03-31. Review status: criteria provided, single submitter. Criteria: Myriad Autosomal Dominant, Autosomal Recessive and X-Linked Classification Criteria (2023). Collection method: clinical testing. Allele origin: unknown.
Comment: This variant is classified as a variant of uncertain significance as there is insufficient evidence to determine its impact on protein function and/or cancer risk.

Color Diagnostics, LLC DBA Color Health
Classification: Uncertain significance for Hereditary cancer-predisposing syndrome. Last evaluated: 2022-11-22. Review status: criteria provided, single submitter. Criteria: ACMG Guidelines, 2015. Collection method: clinical testing. Allele origin: germline.
Comment: This missense variant replaces leucine with proline at codon 1119 of the PALB2 protein. Computational prediction suggests that this variant may not impact protein structure and function (internally defined REVEL score threshold <= 0.5, PMID: 27666373). A functional study has shown the mutant protein to exhibit normal expression and wild type-like homologous recombination activity (PMID: 31757951, 31636395). This variant has been reported in individuals affected with breast cancer (PMID: 22692731, 25575445), as well as in unaffected individuals (Color internal data). This variant has been identified in 4/251288 chromosomes in the general population by the Genome Aggregation Database (gnomAD). The available evidence is insufficient to determine the role of this variant in disease conclusively. Therefore, this variant is classified as a Variant of Uncertain Significance.

Leiden Open Variation Database
Classification: Uncertain significance for Familial cancer of breast. Last evaluated: 2019-05-13. Review status: no assertion criteria provided. Collection method: curation. Allele origin: germline. Affected: yes. Not counted in ClinVar's aggregate classification.
Comment: Curators: Marc Tischkowitz, Arleen D. Auerbach. Submitter to LOVD: Marc Tischkowitz.

Counsyl
Classification: Uncertain significance for Familial cancer of breast. Last evaluated: 2017-03-17. Review status: no assertion criteria provided. Collection method: clinical testing. Allele origin: unknown. Not counted in ClinVar's aggregate classification.

Literature cited by the submitters: PubMed 22692731 (cited by 4 submitters); PubMed 25575445 (cited by 3 submitters); PubMed 31636395 (cited by Color Diagnostics, LLC DBA Color Health); PubMed 31757951 (cited by Color Diagnostics, LLC DBA Color Health).